The following is an entry in ClinVar:

NM_001367561.1(DOCK7):c.3871A>C (p.Met1291Leu)

Gene: DOCK7 (dedicator of cytokinesis 7; minus strand). Cytogenetic location: 1p31.3.
Variant type: single nucleotide variant.
Coding change: c.3871A>C on transcript NM_001367561.1 (MANE Select); coding-DNA position 3871, A replaced by C.
Protein change: p.Met1291Leu; replaces methionine 1291 with leucine.
Molecular consequence: missense variant.
Genome position (GRCh38, 1-based): chr1:62,528,216, T>G on the plus strand (A>C on the coding strand, the complement: DOCK7 is on the minus strand). VCF-style: chr1-62528216-T-G. GRCh37 (hg19) VCF-style: chr1-62993887-T-G.
Other names: c.3871A>C, p.Met1291Leu (NM_001271999.2, NM_001330614.2); c.3778A>C, p.Met1260Leu (NM_001272000.2, NM_001272001.2, NM_033407.4); short protein forms M1260L, M1291L.
Identifiers: ClinVar variation 3360555 (VCV003360555.1).

ClinVar aggregate classification (germline): Uncertain significance (1 of 4 stars; one submission).

Submission:

GeneDx
Classification: Uncertain significance. Last evaluated: 2023-06-27. Review status: criteria provided, single submitter. Criteria: GeneDx Variant Classification Process June 2021. Collection method: clinical testing. Allele origin: germline. Affected: yes.
Comment: Not observed at significant frequency in large population cohorts (gnomAD); In silico analysis supports that this missense variant does not alter protein structure/function; Has not been previously published as pathogenic or benign to our knowledge